The following is an entry in ClinVar:

ClinVar aggregate classification (germline): Likely benign. Review status: criteria provided, multiple submitters, no conflicts (2 of 4 stars). 4 submissions from 4 submitters: Likely benign (3). 1 of the submissions does not count toward it. Last evaluated 2026-09-01.

Conditions:
ENG-related disorder. Also called: ENG-related condition; ENG-related disorders.
Hereditary hemorrhagic telangiectasia (HHT). Also called: ORW DISEASE; Osler Weber Rendu syndrome; OSLER-RENDU-WEBER DISEASE; Osler hemorrhagic telangiectasia syndrome. Identifiers: Orphanet 774, MedGen C0039445, MONDO:0019180. Disease mechanism: loss of function.
Cardiovascular phenotype. Identifiers: MedGen CN230736.

Allele frequency attached by ClinVar (database versions not stated): gnomAD 0.00002 and 0.00003; gnomAD exomes 0.00003 and 0.00004; ExAC 0.00004; TOPMed 0.00004.
gnomAD v4.1: 43 of 1,556,896 alleles (0.0028%); highest among the groups gnomAD compares: Middle Eastern, 0.018%; no homozygotes.

Submissions (4):

CeGaT Center for Human Genetics Tuebingen
Classification: Likely benign. Last evaluated: 2026-09-01. Review status: criteria provided, single submitter. Criteria: CeGaT Center For Human Genetics Tuebingen Variant Classification Criteria Version 2. Collection method: clinical testing. Allele origin: germline. Affected: yes. Observed: 1 variant allele.
Comment: ENG: BP4, BP7

Labcorp Genetics (formerly Invitae), Labcorp
Classification: Likely benign for Hereditary hemorrhagic telangiectasia. Last evaluated: 2025-06-04. Review status: criteria provided, single submitter. Criteria: Invitae Variant Classification Sherloc (09022015). Collection method: clinical testing. Allele origin: germline.

Ambry Genetics
Classification: Likely benign for Cardiovascular phenotype. Last evaluated: 2022-06-22. Review status: criteria provided, single submitter. Criteria: Ambry Variant Classification Scheme 2023. Collection method: clinical testing. Allele origin: germline.

PreventionGenetics, part of Exact Sciences
Classification: Likely benign for ENG-related condition. Last evaluated: 2019-09-05. Review status: no assertion criteria provided. Collection method: clinical testing. Allele origin: germline. Not counted in ClinVar's aggregate classification.
Comment: This variant is classified as likely benign based on ACMG/AMP sequence variant interpretation guidelines (Richards et al. 2015 PMID: 25741868, with internal and published modifications).

NM_001114753.3(ENG):c.990C>T (p.Cys330=)

Gene: ENG (endoglin; minus strand). Cytogenetic location: 9q34.11.
Variant type: single nucleotide variant.
Coding change: c.990C>T on transcript NM_001114753.3 (MANE Select); coding-DNA position 990, C replaced by T.
Protein change: p.Cys330=; no amino-acid change (cysteine 330 retained).
Molecular consequence: synonymous variant.
Genome position (GRCh38, 1-based): chr9:127,824,801, G>A on the plus strand (C>T on the coding strand, the complement: ENG is on the minus strand). VCF-style: chr9-127824801-G-A. GRCh37 (hg19) VCF-style: chr9-130587080-G-A.
Other names: c.990C>T, p.Cys330= (NM_000118.4, NM_001406715.1); c.444C>T, p.Cys148= (NM_001278138.2).
Identifiers: ClinVar variation 661043 (VCV000661043.13), dbSNP rs369202854, ClinGen allele CA5252928.